The following is an entry in ClinVar:

NM_182961.4(SYNE1):c.2653T>G (p.Leu885Val)

Gene: SYNE1 (spectrin repeat containing nuclear envelope protein 1; minus strand). Cytogenetic location: 6q25.2.
Variant type: single nucleotide variant.
Coding change: c.2653T>G on transcript NM_182961.4 (MANE Select); coding-DNA position 2653, T replaced by G.
Protein change: p.Leu885Val; replaces leucine 885 with valine.
Molecular consequence: missense variant.
Genome position (GRCh38, 1-based): chr6:152,455,960, A>C on the plus strand (T>G on the coding strand, the complement: SYNE1 is on the minus strand). VCF-style: chr6-152455960-A-C. GRCh37 (hg19) VCF-style: chr6-152777095-A-C.
Other names: p.Leu892Val; c.2674T>G, p.Leu892Val (NM_033071.5); short protein forms L885V, L892V.
Identifiers: ClinVar variation 130437 (VCV000130437.24), dbSNP rs17082709, ClinGen allele CA155455.

ClinVar aggregate classification (germline): Benign. Review status: criteria provided, multiple submitters, no conflicts (2 of 4 stars). 10 submissions from 9 submitters: Benign (7). 3 of the submissions do not count toward it. Last evaluated 2026-02-03.

Conditions:
Autosomal recessive ataxia, Beauce type. Also called: Spinocerebellar ataxia, autosomal recessive 8; SYNE1-Related Autosomal Recessive Cerebellar Ataxia; SYNE1 Deficiency; ATAXIA, RECESSIVE, OF BEAUCE. Identifiers: Orphanet 88644, MedGen C1853116, MONDO:0012549, OMIM 610743.
Emery-Dreifuss muscular dystrophy 4, autosomal dominant (EDMD4). Also called: EMERY-DREIFUSS MUSCULAR DYSTROPHY 4 WITH VARIABLE FEATURES. Identifiers: Orphanet 261, MedGen C2751807, MONDO:0013071, OMIM 612998.

Allele frequency attached by ClinVar (database versions not stated): ExAC 0.05559; gnomAD 0.06016 and 0.05898; TOPMed 0.05806; ESP Exome Variant Server 0.06336; 1000 Genomes Project 30x 0.04497; 1000 Genomes Project 0.04333; gnomAD exomes 0.05483 and 0.05913.
gnomAD v4.1: 95,483 of 1,614,058 alleles (5.9%); highest among the groups gnomAD compares: Middle Eastern, 6.3%; 3,084 homozygotes.

Submissions (14):

Labcorp Genetics (formerly Invitae), Labcorp
Classification: Benign for Emery-Dreifuss muscular dystrophy 4, autosomal dominant; Autosomal recessive ataxia, Beauce type. Last evaluated: 2026-02-03. Review status: criteria provided, single submitter. Criteria: Invitae Variant Classification Sherloc (09022015). Collection method: clinical testing. Allele origin: germline.

Athena Diagnostics
Classification: Benign. Last evaluated: 2018-12-18. Review status: criteria provided, single submitter. Criteria: Athena Diagnostics Criteria. Collection method: clinical testing. Allele origin: germline.

Illumina Laboratory Services, Illumina
Classification: Benign for Emery-Dreifuss muscular dystrophy 4, autosomal dominant. Last evaluated: 2018-01-13. Review status: criteria provided, single submitter. Criteria: ICSL Variant Classification Criteria 13 December 2019. Collection method: clinical testing. Allele origin: germline.
Comment: This variant was observed in the ICSL laboratory as part of a predisposition screen in an ostensibly healthy population. It had not been previously curated by ICSL or reported in the Human Gene Mutation Database (HGMD: prior to June 1st, 2018), and was therefore a candidate for classification through an automated scoring system. Utilizing variant allele frequency, disease prevalence and penetrance estimates, and inheritance mode, an automated score was calculated to assess if this variant is too frequent to cause the disease. Based on the score and internal cut-off values, a variant classified as benign is not then subjected to further curation. The score for this variant resulted in a classification of benign for this disease.

Illumina Laboratory Services, Illumina
Classification: Benign for Autosomal recessive ataxia, Beauce type. Last evaluated: 2018-01-13. Review status: criteria provided, single submitter. Criteria: ICSL Variant Classification Criteria 13 December 2019. Collection method: clinical testing. Allele origin: germline.
Comment: the same text as in the submission from Illumina Laboratory Services, Illumina above.

Mayo Clinic Laboratories, Mayo Clinic
Classification: Benign. Last evaluated: 2017-08-24. Review status: criteria provided, single submitter. Criteria: ACMG Guidelines, 2015. Collection method: clinical testing. Allele origin: germline. Observed: 125 variant alleles.

GeneDx
Classification: Benign. Last evaluated: 2016-01-30. Review status: criteria provided, single submitter. Criteria: GeneDx Variant Classification (06012015). Collection method: clinical testing. Allele origin: germline. Affected: yes.
Comment: This variant is considered likely benign or benign based on one or more of the following criteria: it is a conservative change, it occurs at a poorly conserved position in the protein, it is predicted to be benign by multiple in silico algorithms, and/or has population frequency not consistent with disease.

PreventionGenetics, part of Exact Sciences
Classification: Benign. Review status: criteria provided, single submitter. Criteria: ACMG Guidelines, 2015. Collection method: clinical testing. Allele origin: germline.

Clinical Genetics DNA and cytogenetics Diagnostics Lab, Erasmus MC, Erasmus Medical Center
Classification: Benign. Review status: no assertion criteria provided. Collection method: clinical testing. Allele origin: germline. Affected: yes. Study: VKGL Data-share Consensus. Not counted in ClinVar's aggregate classification.

Clinical Genetics, Academic Medical Center
Classification: Benign. Review status: no assertion criteria provided. Collection method: clinical testing. Allele origin: germline. Affected: yes. Study: VKGL Data-share Consensus. Not counted in ClinVar's aggregate classification.

Dr. Peter K. Rogan Lab, Western University
No classification provided (evidence only). Condition: Acute myeloid leukemia. Review status: no classification provided. Collection method: in vitro. Allele origin: not applicable. Functional consequence: skipped exon, retained intron. Not counted in ClinVar's aggregate classification.

Dr. Peter K. Rogan Lab, Western University
No classification provided (evidence only). Condition: Acute myeloid leukemia. Review status: no classification provided. Collection method: in vitro. Allele origin: not applicable. Functional consequence: retained intron. Not counted in ClinVar's aggregate classification.

Dr. Peter K. Rogan Lab, Western University
No classification provided (evidence only). Condition: Acute myeloid leukemia. Review status: no classification provided. Collection method: in vitro. Allele origin: not applicable. Functional consequence: retained intron. Not counted in ClinVar's aggregate classification.

Dr. Peter K. Rogan Lab, Western University
No classification provided (evidence only). Condition: Thymoma. Review status: no classification provided. Collection method: in vitro. Allele origin: not applicable. Functional consequence: skipped exon, retained intron. Not counted in ClinVar's aggregate classification.

Genetic Services Laboratory, University of Chicago
Classification: Likely benign for AllHighlyPenetrant. Review status: no assertion criteria provided. Collection method: clinical testing. Allele origin: germline. Inheritance: Autosomal dominant inheritance. Not counted in ClinVar's aggregate classification.
Comment: Likely benign based on allele frequency in 1000 Genomes Project or ESP global frequency and its presence in a patient with a rare or unrelated disease phenotype. NOT Sanger confirmed.